The following is an entry in ClinVar:

ClinVar aggregate classification (germline): Uncertain significance. Review status: criteria provided, multiple submitters, no conflicts (2 of 4 stars). 2 submissions from 2 submitters: Uncertain significance (2). Last evaluated 2024-02-02.

Conditions:
MAGEL2-related disorder. Also called: MAGEL2-related condition.
Inborn genetic diseases. Identifiers: MedGen C0950123, MeSH D030342.

Submissions (2):

Ambry Genetics
Classification: Uncertain significance for Inborn genetic diseases. Last evaluated: 2024-02-02. Review status: criteria provided, single submitter. Criteria: Ambry Variant Classification Scheme 2023. Collection method: clinical testing. Allele origin: germline.

PreventionGenetics, part of Exact Sciences
Classification: Uncertain significance for MAGEL2-related condition. Last evaluated: 2023-10-02. Review status: criteria provided, single submitter. Criteria: ACMG Guidelines, 2015. Collection method: clinical testing. Allele origin: germline.
Comment: The MAGEL2 c.830C>T variant is predicted to result in the amino acid substitution p.Pro277Leu. To our knowledge, this variant has not been reported in the literature or in a large population database, indicating this variant is rare. At this time, the clinical significance of this variant is uncertain due to the absence of conclusive functional and genetic evidence.

NM_019066.5(MAGEL2):c.830C>T (p.Pro277Leu)

Gene: MAGEL2 (MAGE family member L2; minus strand). Cytogenetic location: 15q11.2.
Variant type: single nucleotide variant.
Coding change: c.830C>T on transcript NM_019066.5 (MANE Select); coding-DNA position 830, C replaced by T.
Protein change: p.Pro277Leu; replaces proline 277 with leucine.
Molecular consequence: missense variant.
Genome position (GRCh38, 1-based): chr15:23,646,913, G>A on the plus strand (C>T on the coding strand, the complement: MAGEL2 is on the minus strand). VCF-style: chr15-23646913-G-A. GRCh37 (hg19) VCF-style: chr15-23892060-G-A.
Other names: short protein forms P277L.
Identifiers: ClinVar variation 2636109 (VCV002636109.2), dbSNP rs1171995841, ClinGen allele CA391335736.